The following is an entry in ClinVar:

ClinVar aggregate classification (germline): Uncertain significance (1 of 4 stars; one submission).

Conditions:
Tyrosinemia type I (TYRSN1). Also called: Tyrosinemia type 1; Fumarylacetoacetase deficiency; Deficiency of fumarylacetoacetase; HEPATORENAL TYROSINEMIA; FAH DEFICIENCY. Identifiers: Orphanet 882, MedGen C0268490, MONDO:0010161, OMIM 276700. Disease mechanism: loss of function.

Submission:

Labcorp Genetics (formerly Invitae), Labcorp
Classification: Uncertain significance for Tyrosinemia type I. Last evaluated: 2022-03-20. Review status: criteria provided, single submitter. Criteria: Invitae Variant Classification Sherloc (09022015). Collection method: clinical testing. Allele origin: germline.
Comment: This sequence change replaces aspartic acid, which is acidic and polar, with glutamic acid, which is acidic and polar, at codon 123 of the FAH protein (p.Asp123Glu). In summary, the available evidence is currently insufficient to determine the role of this variant in disease. Therefore, it has been classified as a Variant of Uncertain Significance. Advanced modeling of protein sequence and biophysical properties (such as structural, functional, and spatial information, amino acid conservation, physicochemical variation, residue mobility, and thermodynamic stability) performed at Invitae indicates that this missense variant is not expected to disrupt FAH protein function. This variant has not been reported in the literature in individuals affected with FAH-related conditions. This variant is not present in population databases (gnomAD no frequency).

NM_000137.4(FAH):c.369C>A (p.Asp123Glu)

Gene: FAH (fumarylacetoacetate hydrolase; plus strand). Cytogenetic location: 15q25.1.
Variant type: single nucleotide variant.
Coding change: c.369C>A on transcript NM_000137.4 (MANE Select); coding-DNA position 369, C replaced by A.
Protein change: p.Asp123Glu; replaces aspartic acid 123 with glutamic acid.
Molecular consequence: missense variant.
Genome position (GRCh38, 1-based): chr15:80,162,250, C>A. VCF-style: chr15-80162250-C-A. GRCh37 (hg19) VCF-style: chr15-80454592-C-A.
Other names: c.369C>A, p.Asp123Glu (NM_001374377.1, NM_001374380.1); short protein forms D123E.
Identifiers: ClinVar variation 2111785 (VCV002111785.4), dbSNP rs2505844487, ClinGen allele CA393619316.